The following is an entry in ClinVar:

ClinVar aggregate classification (germline): Conflicting classifications of pathogenicity. Review status: criteria provided, conflicting classifications (1 of 4 stars). 6 submissions from 6 submitters: Uncertain significance (5); Likely benign (1). Last evaluated 2026-08-06.

Conditions:
TCOF1-related disorder. Also called: TCOF1-related condition.
Treacher Collins syndrome 1 (TCS1). Also called: TCOF1-Related Treacher Collins Syndrome. Identifiers: Orphanet 861, MedGen CN315775, MONDO:0007944, OMIM 154500.

Allele frequency attached by ClinVar (database versions not stated): gnomAD 0.00015; gnomAD exomes 0.00019 and 0.00020; TOPMed 0.00022; ESP Exome Variant Server 0.00023; ExAC 0.00035.
gnomAD v4.1: 300 of 1,612,762 alleles (0.019%); highest among the groups gnomAD compares: Middle Eastern, 0.18%; no homozygotes.

Submissions (6):

OLLIN Analises Genomicas, OLLIN
Classification: Uncertain significance for Treacher Collins syndrome 1. Last evaluated: 2026-08-06. Review status: criteria provided, single submitter. Criteria: ACMG Guidelines 2015 PMID 25741868. Collection method: clinical testing. Allele origin: germline.
Comment: This missense variant, located in exon 8 (of 27), has been reported in ClinVar (accession VCV001203731.10) and in gnomAD with an allele frequency of 0.019%. However, to our knowledge, it has not been reported in the scientific literature. In silico analysis predicts that this variant has a tolerated effect. According to the currently available evidence, this variant has been classified as uncertain significance (BP4_M).

PreventionGenetics, part of Exact Sciences
Classification: Uncertain significance for TCOF1-related condition. Last evaluated: 2025-10-15. Review status: criteria provided, single submitter. Criteria: ACMG Guidelines, 2015. Collection method: clinical testing. Allele origin: germline.
Comment: The TCOF1 c.911C>T variant is predicted to result in the amino acid substitution p.Ser304Leu. This variant was reported in a patient with Treacher Collins syndrome and was inherited from the father who had isolated hearing loss (Papageorgiou et al 2020. PubMed ID: 32257192). This variant is reported in 0.031% of alleles in individuals of European (Non-Finnish) descent in gnomAD, including 50 heterozygotes. At this time, the clinical significance of this variant is uncertain due to the absence of conclusive functional and genetic evidence.

Labcorp Genetics (formerly Invitae), Labcorp
Classification: Uncertain significance for Treacher Collins syndrome 1. Last evaluated: 2025-05-25. Review status: criteria provided, single submitter. Criteria: Invitae Variant Classification Sherloc (09022015). Collection method: clinical testing. Allele origin: germline.
Comment: This sequence change replaces serine, which is neutral and polar, with leucine, which is neutral and non-polar, at codon 304 of the TCOF1 protein (p.Ser304Leu). This variant is present in population databases (rs144193760, gnomAD 0.03%), and has an allele count higher than expected for a pathogenic variant. This missense change has been observed in individual(s) with Treacher Collins syndrome (PMID: 32257192). ClinVar contains an entry for this variant (Variation ID: 1203731). Invitae Evidence Modeling of protein sequence and biophysical properties (such as structural, functional, and spatial information, amino acid conservation, physicochemical variation, residue mobility, and thermodynamic stability) indicates that this missense variant is not expected to disrupt TCOF1 protein function with a negative predictive value of 80%. In summary, the available evidence is currently insufficient to determine the role of this variant in disease. Therefore, it has been classified as a Variant of Uncertain Significance.

Blueprint Genetics
Classification: Likely benign. Last evaluated: 2024-11-25. Review status: criteria provided, single submitter. Criteria: ACMG Guidelines, 2015. Collection method: clinical testing. Allele origin: germline.

GeneDx
Classification: Uncertain significance. Last evaluated: 2021-01-26. Review status: criteria provided, single submitter. Criteria: GeneDx Variant Classification Process June 2021. Collection method: clinical testing. Allele origin: germline. Affected: yes.
Comment: Identified in a patient with hearing problems, external and middle ear dysplasia, low-set and cupped ears and downslanting palpebral fissures in published literature (Papageorgiou et al., 2020); In silico analysis supports that this missense variant has a deleterious effect on protein structure/function; This variant is associated with the following publications: (PMID: 32257192)

Breakthrough Genomics
Classification: Uncertain significance. Review status: criteria provided, single submitter. Criteria: ACMG Guidelines, 2015. Collection method: not provided. Allele origin: germline. Inheritance: Autosomal dominant inheritance. Affected: yes.

Literature cited by the submitters: PubMed 32257192 (cited by Labcorp Genetics (formerly Invitae), Labcorp).

NM_001371623.1(TCOF1):c.911C>T (p.Ser304Leu)

Gene: TCOF1 (treacle ribosome biogenesis factor 1; plus strand). Cytogenetic location: 5q32.
Variant type: single nucleotide variant.
Coding change: c.911C>T on transcript NM_001371623.1 (MANE Select); coding-DNA position 911, C replaced by T.
Protein change: p.Ser304Leu; replaces serine 304 with leucine.
Molecular consequence: missense variant.
Genome position (GRCh38, 1-based): chr5:150,374,214, C>T. VCF-style: chr5-150374214-C-T. GRCh37 (hg19) VCF-style: chr5-149753777-C-T.
Other names: c.680C>T, p.Ser227Leu (NM_000356.4, NM_001135245.2); c.911C>T, p.Ser304Leu (NM_001008657.3, NM_001135243.2, NM_001135244.2 and 1 more transcripts); short protein forms S227L, S304L.
Identifiers: ClinVar variation 1203731 (VCV001203731.12), dbSNP rs144193760, ClinGen allele CA3510696.